The following is an entry in ClinVar:

NM_006516.4(SLC2A1):c.445C>T (p.Pro149Ser)

Gene: SLC2A1 (solute carrier family 2 member 1; minus strand). Cytogenetic location: 1p34.2.
Variant type: single nucleotide variant.
Coding change: c.445C>T on transcript NM_006516.4 (MANE Select); coding-DNA position 445, C replaced by T.
Protein change: p.Pro149Ser; replaces proline 149 with serine.
Molecular consequence: missense variant.
Genome position (GRCh38, 1-based): chr1:42,930,697, G>A on the plus strand (C>T on the coding strand, the complement: SLC2A1 is on the minus strand). VCF-style: chr1-42930697-G-A. GRCh37 (hg19) VCF-style: chr1-43396368-G-A.
Other names: short protein forms P149S.
Identifiers: ClinVar variation 3371526 (VCV003371526.1).

ClinVar aggregate classification (germline): Uncertain significance (1 of 4 stars; one submission).

Submission:

GeneDx
Classification: Uncertain significance. Last evaluated: 2024-04-08. Review status: criteria provided, single submitter. Criteria: GeneDx Variant Classification Process June 2021. Collection method: clinical testing. Allele origin: germline. Affected: yes.
Comment: Not observed at significant frequency in large population cohorts (gnomAD); In silico analysis supports that this missense variant has a deleterious effect on protein structure/function; Has not been previously published as pathogenic or benign to our knowledge